The following is an entry in ClinVar:

NM_025215.6(PUS1):c.510del (p.Asn171fs)

Gene: PUS1 (pseudouridine synthase 1; plus strand). Cytogenetic location: 12q24.33.
Variant type: Deletion.
Coding change: c.510del on transcript NM_025215.6 (MANE Select); coding-DNA position 510, one base deleted (C; older notation c.510delC).
Protein change: p.Asn171fs; shifts the reading frame from asparagine 171.
Molecular consequence: frameshift variant.
Genome position (GRCh38, 1-based): chr12:131,939,241, C deleted. VCF-style (leftmost placement, unchanged base first): chr12-131939240-TC-T. GRCh37 (hg19) VCF-style: chr12-132423785-TC-T.
Other names: c.426del, p.Asn143fs (NM_001002019.3, NM_001002020.3); short protein forms N143fs, N171fs.
Identifiers: ClinVar variation 2817103 (VCV002817103.3), dbSNP rs2540870285, ClinGen allele CA2621972774.

ClinVar aggregate classification (germline): Pathogenic (1 of 4 stars; one submission).

Allele frequency attached by ClinVar (database versions not stated): gnomAD exomes below 0.00001.

Submission:

Labcorp Genetics (formerly Invitae), Labcorp
Classification: Pathogenic. Last evaluated: 2023-10-05. Review status: criteria provided, single submitter. Criteria: Invitae Variant Classification Sherloc (09022015). Collection method: clinical testing. Allele origin: germline.
Comment: This sequence change creates a premature translational stop signal (p.Asn171Thrfs*13) in the PUS1 gene. It is expected to result in an absent or disrupted protein product. Loss-of-function variants in PUS1 are known to be pathogenic (PMID: 17056637, 19731322, 25058219, 26556812). This variant is not present in population databases (gnomAD no frequency). This variant has not been reported in the literature in individuals affected with PUS1-related conditions. For these reasons, this variant has been classified as Pathogenic.

Literature cited by the submitters: PubMed 17056637; PubMed 19731322; PubMed 25058219; PubMed 26556812.